The following is an entry in ClinVar:

NM_052947.4(ALPK2):c.4027G>T (p.Val1343Leu)

Genes: ALPK2 (alpha kinase 2; minus strand), LOC126862764 (BRD4-independent group 4 enhancer GRCh37_chr18:56202574-56203773; plus strand). Cytogenetic location: 18q21.31.
Variant type: single nucleotide variant.
Coding change: c.4027G>T on transcript NM_052947.4 (MANE Select); coding-DNA position 4027, G replaced by T.
Protein change: p.Val1343Leu; replaces valine 1343 with leucine.
Molecular consequence: missense variant.
Genome position (GRCh38, 1-based): chr18:58,536,160, C>A on the plus strand (G>T on the coding strand, the complement: ALPK2 is on the minus strand). VCF-style: chr18-58536160-C-A. GRCh37 (hg19) VCF-style: chr18-56203392-C-A.
Other names: short protein forms V1343L.
Identifiers: ClinVar variation 3290240 (VCV003290240.1).

ClinVar aggregate classification (germline): Uncertain significance (1 of 4 stars; one submission).

Submission:

Ambry Genetics
Classification: Uncertain significance. Last evaluated: 2024-04-28. Review status: criteria provided, single submitter. Criteria: Ambry Variant Classification Scheme 2023. Collection method: clinical testing. Allele origin: germline.
Comment: The p.V1343L variant (also known as c.4027G>T), located in coding exon 4 of the ALPK2 gene, results from a G to T substitution at nucleotide position 4027. The valine at codon 1343 is replaced by leucine, an amino acid with highly similar properties. This amino acid position is conserved. In addition, this alteration is predicted to be tolerated by in silico analysis. Based on the available evidence, the clinical significance of this variant remains unclear.